The following is an entry in ClinVar:

ClinVar aggregate classification (germline): Benign. Review status: criteria provided, multiple submitters, no conflicts (2 of 4 stars). 3 submissions from 3 submitters: Benign (3). Last evaluated 2026-02-02.

Conditions:
Walker-Warburg congenital muscular dystrophy. Also called: Muscular dystrophy-dystroglycanopathy, type A; Walker-Warburg syndrome. Identifiers: Orphanet 899, MedGen C0265221, MONDO:0000171.
Autosomal recessive limb-girdle muscular dystrophy type 2K. Also called: MUSCULAR DYSTROPHY-DYSTROGLYCANOPATHY (LIMB-GIRDLE), TYPE C, 1; MUSCULAR DYSTROPHY, LIMB-GIRDLE, TYPE 2K. Identifiers: Orphanet 86812, MedGen C1836373, MONDO:0012248, OMIM 609308.
Muscular dystrophy-dystroglycanopathy (congenital with impaired intellectual development), type B, 1. Also called: MUSCULAR DYSTROPHY, CONGENITAL, POMT1-RELATED; Muscular dystrophy-dystroglycanopathy (congenital with intellectual disability), type B1. Identifiers: MedGen C5436962, MONDO:0013159, OMIM 613155.

Allele frequency attached by ClinVar (database versions not stated): gnomAD exomes 0.00081 and 0.00229; ExAC 0.00292; gnomAD 0.00935 and 0.00998; ESP Exome Variant Server 0.01015; TOPMed 0.01031; 1000 Genomes Project 30x 0.01156; 1000 Genomes Project 0.01178.

Submissions (3):

Labcorp Genetics (formerly Invitae), Labcorp
Classification: Benign for Muscular dystrophy-dystroglycanopathy (congenital with impaired intellectual development), type B, 1; Walker-Warburg congenital muscular dystrophy; Autosomal recessive limb-girdle muscular dystrophy type 2K. Last evaluated: 2026-02-02. Review status: criteria provided, single submitter. Criteria: Invitae Variant Classification Sherloc (09022015). Collection method: clinical testing. Allele origin: germline.

GeneDx
Classification: Benign. Last evaluated: 2015-10-28. Review status: criteria provided, single submitter. Criteria: GeneDx Variant Classification (06012015). Collection method: clinical testing. Allele origin: germline. Affected: yes.
Comment: This variant is considered likely benign or benign based on one or more of the following criteria: it is a conservative change, it occurs at a poorly conserved position in the protein, it is predicted to be benign by multiple in silico algorithms, and/or has population frequency not consistent with disease.

PreventionGenetics, part of Exact Sciences
Classification: Benign. Review status: criteria provided, single submitter. Criteria: ACMG Guidelines, 2015. Collection method: clinical testing. Allele origin: germline.

NM_001077365.2(POMT1):c.1825+19del

Gene: POMT1 (protein O-mannosyltransferase 1; plus strand). Cytogenetic location: 9q34.13.
Variant type: Deletion.
Coding change: c.1825+19del on transcript NM_001077365.2 (MANE Select); 19 bases into the intron after coding-DNA position 1825, one base deleted (T; older notation c.1825+19delT).
Molecular consequence: intron variant.
Genome position (GRCh38, 1-based): chr9:131,521,491, T deleted. VCF-style (leftmost placement, unchanged base first): chr9-131521490-AT-A. GRCh37 (hg19) VCF-style: chr9-134396877-AT-A.
Other names: c.1729+19del (NM_001353198.2, NM_001353197.2); c.1891+19del (NM_001353193.2, NM_007171.4); c.1825+19del (NM_001136113.2); c.1663+19del (NM_001353194.2, NM_001077366.2); c.1474+19del (NM_001374691.1, NM_001353195.2, NM_001374692.1 and 2 more transcripts); c.1606+19del (NM_001374690.1); c.1735+19del (NM_001353196.2); c.1435+19del (NM_001374695.1); and 4 more.
Identifiers: ClinVar variation 162592 (VCV000162592.10), dbSNP rs11345097, ClinGen allele CA295428.
Genomic context (GRCh38, chr9:131,521,490, plus strand): 5'-TACCTGCTCCGACGGCGAAGAAATGTCCATGACCTCCCTCAGGGTTAGTACCTCTCCCAC[AT>A]GGCTTTCTTTCTTTTTAATATAGACATGGGGTCTTGCTGTGTTGTCCAGGGTGTTCTTGA-3'